The following is an entry in ClinVar:

ClinVar aggregate classification (germline): Uncertain significance (1 of 4 stars; one submission).

Conditions:
ZFHX3-related disorder. Also called: ZFHX3-related condition.

Submission:

PreventionGenetics, part of Exact Sciences
Classification: Uncertain significance for ZFHX3-related condition. Last evaluated: 2026-09-19. Review status: criteria provided, single submitter. Criteria: ACMG Guidelines, 2015. Collection method: clinical testing. Allele origin: germline.
Comment: The ZFHX3 c.4370A>G variant is predicted to result in the amino acid substitution p.Glu1457Gly. To our knowledge, this variant has not been reported in the literature or in a large population database (gnomAD), indicating this variant is rare. At this time, the clinical significance of this variant is uncertain due to the absence of conclusive functional and genetic evidence.

NM_006885.4(ZFHX3):c.4370A>G (p.Glu1457Gly)

Genes: ZFHX3 (zinc finger homeobox 3; minus strand), ZFHX3-AS1 (ZFHX3 antisense RNA 1; plus strand). Cytogenetic location: 16q22.2.
Variant type: single nucleotide variant.
Coding change: c.4370A>G on transcript NM_006885.4 (MANE Select); coding-DNA position 4370, A replaced by G.
Protein change: p.Glu1457Gly; replaces glutamic acid 1457 with glycine.
Molecular consequence: missense variant.
Genome position (GRCh38, 1-based): chr16:72,798,312, T>C on the plus strand (A>G on the coding strand, the complement: ZFHX3 is on the minus strand). VCF-style: chr16-72798312-T-C. GRCh37 (hg19) VCF-style: chr16-72832211-T-C.
Other names: c.1628A>G, p.Glu543Gly (NM_001164766.2); c.4370A>G, p.Glu1457Gly (NM_001386735.1); short protein forms E1457G, E543G.
Identifiers: ClinVar variation 4982804 (VCV004982804.1).